The following is an entry in ClinVar:

ClinVar aggregate classification (germline): Conflicting classifications of pathogenicity. Review status: criteria provided, conflicting classifications (1 of 4 stars). 2 submissions from 2 submitters: Likely pathogenic (1); Uncertain significance (1). Last evaluated 2023-08-25.

Conditions:
Combined oxidative phosphorylation deficiency 55 (COXPD55). Identifiers: MedGen C5676915, MONDO:0859228, OMIM 619743.

gnomAD v4.1: 1 of 1,613,362 alleles (0.000062%); highest among the groups gnomAD compares: Non-Finnish European, 0.000085%; no homozygotes.

Submissions (2):

Laboratorio de Genetica e Diagnostico Molecular, Hospital Israelita Albert Einstein
Classification: Uncertain significance for Combined oxidative phosphorylation deficiency 55. Last evaluated: 2023-08-25. Review status: criteria provided, single submitter. Criteria: ACMG Guidelines, 2015. Collection method: clinical testing. Allele origin: germline. Affected: yes.
Comment: ACMG classification criteria: PM2 moderate

Dasa
Classification: Likely pathogenic for Combined oxidative phosphorylation deficiency 55. Last evaluated: 2022-04-10. Review status: criteria provided, single submitter. Criteria: ACMG Guidelines, 2015. Collection method: clinical testing. Allele origin: germline. Affected: yes. Observed: 1 variant allele.
Comment: The c.3459C>G;p.(Tyr1153*) variant creates a premature translational stop signal in the POLRMT gene. It is expected to result in an absent or disrupted protein product -PVS1. This variant is not present in population databases (rs200224860- gnomAD; ABraOM no frequency) - PM2. In summary, the currently available evidence indicates that the variant is likely pathogenic.

NM_005035.4(POLRMT):c.3459C>G (p.Tyr1153Ter)

Gene: POLRMT (RNA polymerase mitochondrial; minus strand). Cytogenetic location: 19p13.3.
Variant type: single nucleotide variant.
Coding change: c.3459C>G on transcript NM_005035.4 (MANE Select); coding-DNA position 3459, C replaced by G.
Protein change: p.Tyr1153Ter; replaces tyrosine 1153 with a stop codon.
Molecular consequence: nonsense. On other transcripts: non-coding transcript variant (1).
Genome position (GRCh38, 1-based): chr19:617,813, G>C on the plus strand (C>G on the coding strand, the complement: POLRMT is on the minus strand). VCF-style: chr19-617813-G-C. GRCh37 (hg19) VCF-style: chr19-617813-G-C.
Other names: c.3480C>G, p.Tyr1160Ter (NM_001407805.1); c.3471C>G, p.Tyr1157Ter (NM_001407806.1); c.3468C>G, p.Tyr1156Ter (NM_001407807.1, NM_001407808.1); c.3450C>G, p.Tyr1150Ter (NM_001407809.1); c.3447C>G, p.Tyr1149Ter (NM_001407810.1); c.3438C>G, p.Tyr1146Ter (NM_001407811.1); c.3420C>G, p.Tyr1140Ter (NM_001407812.1); c.3417C>G, p.Tyr1139Ter (NM_001407813.1); and 10 more; short protein forms Y1153*, Y1019*, Y1032*, Y1042*, Y1045*, Y1052*, Y1078*, Y1119*.
Identifiers: ClinVar variation 1676658 (VCV001676658.4), dbSNP rs200224860, ClinGen allele CA303934408.